The following is an entry in ClinVar:

ClinVar aggregate classification (germline): Uncertain significance (1 of 4 stars; one submission).

Conditions:
TBX3-related disorder. Also called: TBX3-related condition.

gnomAD v4.1: 26 of 1,614,122 alleles (0.0016%); highest among the groups gnomAD compares: Non-Finnish European, 0.0021%; no homozygotes.

Submission:

PreventionGenetics, part of Exact Sciences
Classification: Uncertain significance for TBX3-related condition. Last evaluated: 2025-07-31. Review status: criteria provided, single submitter. Criteria: ACMG Guidelines, 2015. Collection method: clinical testing. Allele origin: germline.
Comment: The TBX3 c.1042T>C variant is predicted to result in the amino acid substitution p.Cys348Arg. To our knowledge, this variant has not been reported in the literature. This variant is reported in 0.0062% of alleles in individuals of African descent in gnomAD. At this time, the clinical significance of this variant is uncertain due to the absence of conclusive functional and genetic evidence.

NM_005996.4(TBX3):c.982T>C (p.Cys328Arg)

Gene: TBX3 (T-box transcription factor 3; minus strand). Cytogenetic location: 12q24.21.
Variant type: single nucleotide variant.
Coding change: c.982T>C on transcript NM_005996.4 (MANE Select); coding-DNA position 982, T replaced by C.
Protein change: p.Cys328Arg; replaces cysteine 328 with arginine.
Molecular consequence: missense variant.
Genome position (GRCh38, 1-based): chr12:114,676,370, A>G on the plus strand (T>C on the coding strand, the complement: TBX3 is on the minus strand). VCF-style: chr12-114676370-A-G. GRCh37 (hg19) VCF-style: chr12-115114175-A-G.
Other names: c.1042T>C, p.Cys348Arg (NM_016569.4); short protein forms C348R, C328R.
Identifiers: ClinVar variation 4977955 (VCV004977955.1).